The following is an entry in ClinVar:

NM_000059.4(BRCA2):c.2591A>T (p.Gln864Leu)

Gene: BRCA2 (BRCA2 DNA repair associated; plus strand). Cytogenetic location: 13q13.1.
Variant type: single nucleotide variant.
Coding change: c.2591A>T on transcript NM_000059.4 (MANE Select); coding-DNA position 2591, A replaced by T.
Protein change: p.Gln864Leu; replaces glutamine 864 with leucine.
Molecular consequence: missense variant.
Genome position (GRCh38, 1-based): chr13:32,336,946, A>T. VCF-style: chr13-32336946-A-T. GRCh37 (hg19) VCF-style: chr13-32911083-A-T.
Other names: short protein forms Q864L.
Identifiers: ClinVar variation 232089 (VCV000232089.24), dbSNP rs876659547, ClinGen allele CA10579539.

ClinVar aggregate classification (germline): Conflicting classifications of pathogenicity. Review status: criteria provided, conflicting classifications (1 of 4 stars). 7 submissions from 7 submitters: Uncertain significance (6); Likely benign (1). Last evaluated 2025-12-17.

Conditions:
Hereditary cancer-predisposing syndrome. Also called: Neoplastic Syndromes, Hereditary; Hereditary Cancer Syndrome; Tumor predisposition; Hereditary neoplastic syndrome. Identifiers: Orphanet 140162, MedGen C0027672, MeSH D009386, MONDO:0015356.
Hereditary breast ovarian cancer syndrome. Also called: Breast and ovarian cancer; BRCA1- and BRCA2-Associated Hereditary Breast and Ovarian Cancer; Hereditary breast and ovarian cancer syndrome (HBOC); Hereditary breast and ovarian cancer syndrome; Hereditary breast and/or ovarian cancer syndrome; Hereditary breast and ovarian cancer. Identifiers: Orphanet 145, MedGen C0677776, MeSH D061325, MONDO:0003582. Disease mechanism: loss of function.
Breast-ovarian cancer, familial, susceptibility to, 2 (BROVCA2). Also called: BRCA2 Hereditary Breast and Ovarian Cancer. Identifiers: Orphanet 145, MedGen C2675520, MONDO:0012933, OMIM 612555. Disease mechanism: loss of function.

Allele frequency attached by ClinVar (database versions not stated): gnomAD exomes below 0.00001.
gnomAD v4.1: 3 of 1,588,782 alleles (0.00019%); highest among the groups gnomAD compares: Non-Finnish European, 0.00026%; no homozygotes.

Submissions (7):

Praxis Für Humangenetik, Biosciencia MVZ Labor Saar
Classification: Uncertain significance for Hereditary cancer-predisposing syndrome. Last evaluated: 2025-12-17. Review status: criteria provided, single submitter. Criteria: ACMG Guidelines, 2015. Collection method: clinical testing. Allele origin: germline.
Comment: PM2, BP1

Labcorp Genetics (formerly Invitae), Labcorp
Classification: Uncertain significance for Hereditary breast ovarian cancer syndrome. Last evaluated: 2025-10-13. Review status: criteria provided, single submitter. Criteria: Invitae Variant Classification Sherloc (09022015). Collection method: clinical testing. Allele origin: germline.
Comment: This sequence change replaces glutamine, which is neutral and polar, with leucine, which is neutral and non-polar, at codon 864 of the BRCA2 protein (p.Gln864Leu). This variant is present in population databases (no rsID available, gnomAD 0.001%). This variant has not been reported in the literature in individuals affected with BRCA2-related conditions. ClinVar contains an entry for this variant (Variation ID: 232089). Invitae Evidence Modeling of protein sequence and biophysical properties (such as structural, functional, and spatial information, amino acid conservation, physicochemical variation, residue mobility, and thermodynamic stability) indicates that this missense variant is not expected to disrupt BRCA2 protein function with a negative predictive value of 95%. In summary, the available evidence is currently insufficient to determine the role of this variant in disease. Therefore, it has been classified as a Variant of Uncertain Significance.

Color Diagnostics, LLC DBA Color Health
Classification: Uncertain significance for Hereditary cancer-predisposing syndrome. Last evaluated: 2024-10-21. Review status: criteria provided, single submitter. Criteria: ACMG Guidelines, 2015. Collection method: clinical testing. Allele origin: germline.
Comment: This missense variant replaces glutamine with leucine at codon 864 of the BRCA2 protein. Computational prediction suggests that this variant may not impact protein structure and function. To our knowledge, functional studies have not been reported for this variant. This variant has been reported in multifactorial analyses with likelihood ratios for pathogenicity based on co-occurrence with a pathogenic variant and personal and family history (for 1 carrier) reaching a combined LR = 1.5020861552896 (PMID: 31131967, 31853058). This variant has been identified in 1/226418 chromosomes in the general population by the Genome Aggregation Database (gnomAD). The available evidence is insufficient to determine the role of this variant in disease conclusively. Therefore, this variant is classified as a Variant of Uncertain Significance.

All of Us Research Program, National Institutes of Health
Classification: Uncertain significance for Breast-ovarian cancer, familial, susceptibility to, 2. Last evaluated: 2023-11-02. Review status: criteria provided, single submitter. Criteria: ACMG Guidelines, 2015. Collection method: clinical testing. Allele origin: germline. Inheritance: Autosomal dominant inheritance. Observed: 1 variant allele, 1 heterozygote.
Comment: This missense variant replaces glutamine with leucine at codon 864 of the BRCA2 protein. Computational prediction suggests that this variant may not impact protein structure and function (internally defined REVEL score threshold <= 0.5, PMID: 27666373). To our knowledge, functional studies have not been reported for this variant. This variant has been reported in a multifactorial analysis with co-occurrence and family history likelihood ratios for pathogenicity of 1.0246 and 1.5382, respectively (PMID: 31131967). This variant has been identified in 1/226418 chromosomes in the general population by the Genome Aggregation Database (gnomAD). The available evidence is insufficient to determine the role of this variant in disease conclusively. Therefore, this variant is classified as a Variant of Uncertain Significance.

This study involves interpretation of variants in research participants for the purpose of population health screening. Participant phenotype was not available at the time of variant classification. Additional details can be found in publication PMID: 35346344, PMCID: PMC8962531

Ambry Genetics
Classification: Uncertain significance for Hereditary cancer-predisposing syndrome. Last evaluated: 2023-08-01. Review status: criteria provided, single submitter. Criteria: Ambry Variant Classification Scheme 2023. Collection method: clinical testing. Allele origin: germline.
Comment: The p.Q864L variant (also known as c.2591A>T), located in coding exon 10 of the BRCA2 gene, results from an A to T substitution at nucleotide position 2591. The glutamine at codon 864 is replaced by leucine, an amino acid with dissimilar properties. This amino acid position is well conserved in available vertebrate species. In addition, the in silico prediction for this alteration is inconclusive. Since supporting evidence is limited at this time, the clinical significance of this alteration remains unclear.

University of Washington Department of Laboratory Medicine, University of Washington
Classification: Likely benign for Hereditary cancer-predisposing syndrome. Last evaluated: 2023-03-23. Review status: criteria provided, single submitter. Criteria: Dines et al. (Genet Med. 2020). Collection method: curation. Allele origin: germline.
Comment: Missense variant in a coldspot region where missense variants are very unlikely to be pathogenic (PMID:31911673).

BRCA2 exon 11 coldspot. Reclassification based on statistical prior probability.

Quest Diagnostics Nichols Institute San Juan Capistrano
Classification: Uncertain significance. Last evaluated: 2016-12-30. Review status: criteria provided, single submitter. Criteria: Quest Diagnostics criteria. Collection method: clinical testing. Allele origin: germline.

Literature cited by the submitters: PubMed 31131967 (cited by Color Diagnostics, LLC DBA Color Health and All of Us Research Program, National Institutes of Health); PubMed 31853058 (cited by Color Diagnostics, LLC DBA Color Health).